The following is an entry in ClinVar:

NM_001276345.2(TNNT2):c.716T>C (p.Leu239Pro)

Gene: TNNT2 (troponin T2, cardiac type; minus strand). Cytogenetic location: 1q32.1.
Variant type: single nucleotide variant.
Coding change: c.716T>C on transcript NM_001276345.2 (MANE Select); coding-DNA position 716, T replaced by C.
Protein change: p.Leu239Pro; replaces leucine 239 with proline.
Molecular consequence: missense variant.
Genome position (GRCh38, 1-based): chr1:201,361,916, A>G on the plus strand (T>C on the coding strand, the complement: TNNT2 is on the minus strand). VCF-style: chr1-201361916-A-G. GRCh37 (hg19) VCF-style: chr1-201331044-A-G.
Other names: c.707T>C, p.Leu236Pro (NM_000364.4); c.686T>C, p.Leu229Pro (NM_001001430.3, NM_001276347.2); c.677T>C, p.Leu226Pro (NM_001001431.3); c.668T>C, p.Leu223Pro (NM_001001432.3); c.587T>C, p.Leu196Pro (NM_001276346.2); short protein forms L196P, L223P, L226P, L229P, L236P, L239P.
Identifiers: ClinVar variation 1315138 (VCV001315138.2), dbSNP rs2102233867, ClinGen allele CA344203494.

ClinVar aggregate classification (germline): Uncertain significance (1 of 4 stars; one submission).

Submission:

GeneDx
Classification: Uncertain significance. Last evaluated: 2020-01-30. Review status: criteria provided, single submitter. Criteria: GeneDx Variant Classification Process June 2021. Collection method: clinical testing. Allele origin: germline. Affected: yes.
Comment: Has not been previously published as pathogenic or benign to our knowledge; Not observed in large population cohorts (Lek et al., 2016); In silico analysis, which includes protein predictors and evolutionary conservation, supports a deleterious effect